The following is an entry in ClinVar:

NM_014946.4(SPAST):c.1550del (p.Leu517fs)

Gene: SPAST (spastin; plus strand). Cytogenetic location: 2p22.3.
Variant type: Deletion.
Coding change: c.1550del on transcript NM_014946.4 (MANE Select); coding-DNA position 1550, one base deleted (T; older notation c.1550delT).
Protein change: p.Leu517fs; shifts the reading frame from leucine 517.
Molecular consequence: frameshift variant.
Genome position (GRCh38, 1-based): chr2:32,143,349, T deleted; the last of 4 consecutive T bases (chr2:32,143,346-32,143,349); deleting any one gives the same sequence. VCF-style (leftmost placement, unchanged base first): chr2-32143345-CT-C. GRCh37 (hg19) VCF-style: chr2-32368414-CT-C.
Other names: c.1547del, p.Leu516fs (NM_001363823.2); c.1451del, p.Leu484fs (NM_001363875.2); c.1454del, p.Leu485fs (NM_001377959.1, NM_199436.2); short protein forms L516fs, L484fs, L517fs, L485fs.
Identifiers: ClinVar variation 2692847 (VCV002692847.3), dbSNP rs2465903034, ClinGen allele CA2697547955.
Genomic context (GRCh38, chr2:32,143,345, plus strand): 5'-AATCATTAATTCTGAAATTAGACTGAATGATCATTTTTTAATATTTTTCAGACAAGACTA[CT>C]TTTGCTTAAAAATCTGTTATGTAAACAAGGAAGTCCATTGACCCAAAAAGAACTAGCACA-3'

ClinVar aggregate classification (germline): Pathogenic (1 of 4 stars; one submission).

Conditions:
Hereditary spastic paraplegia 4. Also called: Spastic Paraplegia 4; Spastic paraplegia 4, autosomal dominant; Familial spastic paraplegia autosomal dominant 2. Identifiers: Orphanet 100985, MedGen C1866855, MONDO:0008438, OMIM 182601.

Submission:

Labcorp Genetics (formerly Invitae), Labcorp
Classification: Pathogenic for Hereditary spastic paraplegia 4. Last evaluated: 2024-07-25. Review status: criteria provided, single submitter. Criteria: Invitae Variant Classification Sherloc (09022015). Collection method: clinical testing. Allele origin: germline.
Comment: This sequence change creates a premature translational stop signal (p.Leu517Cysfs*13) in the SPAST gene. It is expected to result in an absent or disrupted protein product. Loss-of-function variants in SPAST are known to be pathogenic (PMID: 20932283). This variant is not present in population databases (gnomAD no frequency). This variant has not been reported in the literature in individuals affected with SPAST-related conditions. For these reasons, this variant has been classified as Pathogenic.

Literature cited by the submitters: PubMed 20932283.